The following is an entry in ClinVar:

NM_181332.3(NLGN4X):c.2317C>T (p.Leu773Phe)

Gene: NLGN4X (neuroligin 4 X-linked; minus strand). Cytogenetic location: Xp22.32.
Variant type: single nucleotide variant.
Coding change: c.2317C>T on transcript NM_181332.3 (MANE Select); coding-DNA position 2317, C replaced by T.
Protein change: p.Leu773Phe; replaces leucine 773 with phenylalanine.
Molecular consequence: missense variant.
Genome position (GRCh38, 1-based): chrX:5,892,951, G>A on the plus strand (C>T on the coding strand, the complement: NLGN4X is on the minus strand). VCF-style: chrX-5892951-G-A. GRCh37 (hg19) VCF-style: chrX-5810992-G-A.
Other names: c.2317C>T, p.Leu773Phe (NM_001282145.2, NM_001282146.2, NM_020742.4); short protein forms L773F.
Identifiers: ClinVar variation 2661952 (VCV002661952.1), dbSNP rs4995609, ClinGen allele CA326308989.

ClinVar aggregate classification (germline): Uncertain significance (1 of 4 stars; one submission).

Allele frequency attached by ClinVar (database versions not stated): TOPMed 0.00001.

Submission:

GeneDx
Classification: Uncertain significance. Last evaluated: 2023-05-07. Review status: criteria provided, single submitter. Criteria: GeneDx Variant Classification Process June 2021. Collection method: clinical testing. Allele origin: germline. Affected: yes.
Comment: Not observed at significant frequency in large population cohorts (gnomAD); In silico analysis supports that this missense variant does not alter protein structure/function; Has not been previously published as pathogenic or benign to our knowledge